The following is an entry in ClinVar:

NM_000540.3(RYR1):c.1440+296G>T

Gene: RYR1 (ryanodine receptor 1; plus strand). Cytogenetic location: 19q13.2.
Variant type: single nucleotide variant.
Coding change: c.1440+296G>T on transcript NM_000540.3 (MANE Select); 296 bases into the intron after coding-DNA position 1440, G replaced by T.
Molecular consequence: intron variant.
Genome position (GRCh38, 1-based): chr19:38,453,310, G>T. VCF-style: chr19-38453310-G-T. GRCh37 (hg19) VCF-style: chr19-38943950-G-T.
Other names: c.1440+296G>T (NM_001042723.2).
Identifiers: ClinVar variation 672731 (VCV000672731.1), dbSNP rs115697801, ClinGen allele CA308121215.

ClinVar aggregate classification (germline): Likely benign (1 of 4 stars; one submission).

Allele frequency attached by ClinVar (database versions not stated): 1000 Genomes Project 30x 0.00281; 1000 Genomes Project 0.00319.
gnomAD v4.1: 538 of 151,950 alleles (0.35%); highest among the groups gnomAD compares: African/African-American, 1.2%; 3 homozygotes.

Submission:

GeneDx
Classification: Likely benign. Last evaluated: 2018-06-14. Review status: criteria provided, single submitter. Criteria: GeneDx Variant Classification (06012015). Collection method: clinical testing. Allele origin: germline. Affected: yes.
Comment: This variant is considered likely benign or benign based on one or more of the following criteria: it is a conservative change, it occurs at a poorly conserved position in the protein, it is predicted to be benign by multiple in silico algorithms, and/or has population frequency not consistent with disease.